The following is an entry in ClinVar:

ClinVar aggregate classification (germline): Uncertain significance. Review status: criteria provided, multiple submitters, no conflicts (2 of 4 stars). 2 submissions from 2 submitters: Uncertain significance (2). Last evaluated 2025-10-21.

Conditions:
Dyskeratosis congenita, autosomal dominant 3. Identifiers: MedGen C3151445, MONDO:0013522, OMIM 613990.
Dyskeratosis congenita. Identifiers: Orphanet 1775, MedGen C0265965, MONDO:0015780.

Allele frequency attached by ClinVar (database versions not stated): gnomAD exomes below 0.00001; ExAC 0.00002; TOPMed 0.00002.

Submissions (2):

Labcorp Genetics (formerly Invitae), Labcorp
Classification: Uncertain significance for Dyskeratosis congenita. Last evaluated: 2025-10-21. Review status: criteria provided, single submitter. Criteria: Invitae Variant Classification Sherloc (09022015). Collection method: clinical testing. Allele origin: germline.
Comment: This sequence change replaces arginine, which is basic and polar, with glutamine, which is neutral and polar, at codon 265 of the TINF2 protein (p.Arg265Gln). This variant is present in population databases (rs750385069, gnomAD 0.01%). This variant has not been reported in the literature in individuals affected with TINF2-related conditions. ClinVar contains an entry for this variant (Variation ID: 1920304). An algorithm developed to predict the effect of missense changes on protein structure and function outputs the following: PolyPhen-2: "Benign". The glutamine amino acid residue is found in multiple mammalian species, which suggests that this missense change does not adversely affect protein function. In summary, the available evidence is currently insufficient to determine the role of this variant in disease. Therefore, it has been classified as a Variant of Uncertain Significance.

St. Jude Molecular Pathology, St. Jude Children's Research Hospital
Classification: Uncertain significance for Dyskeratosis congenita, autosomal dominant 3. Last evaluated: 2024-02-24. Review status: criteria provided, single submitter. Criteria: St. Jude Assertion Criteria 2020. Collection method: clinical testing. Allele origin: germline.
Comment: The TINF2 c.794G>A (p.Arg265Gln) missense change has a maximum subpopulation frequency of 0.013% in gnomAD v2.1.1. The in silico tool REVEL predicts a benign effect on protein function, but to our knowledge this prediction has not been confirmed by functional studies. To our knowledge, this variant has not been reported in the literature in individuals with dyskeratosis congenita. In summary, the evidence currently available is insufficient to determine the clinical significance of this variant. It has therefore been classified as of uncertain significance.

NM_001099274.3(TINF2):c.794G>A (p.Arg265Gln)

Gene: TINF2 (TERF1 interacting nuclear factor 2; minus strand). Cytogenetic location: 14q12.
Variant type: single nucleotide variant.
Coding change: c.794G>A on transcript NM_001099274.3 (MANE Select); coding-DNA position 794, G replaced by A.
Protein change: p.Arg265Gln; replaces arginine 265 with glutamine.
Molecular consequence: missense variant.
Genome position (GRCh38, 1-based): chr14:24,240,686, C>T on the plus strand (G>A on the coding strand, the complement: TINF2 is on the minus strand). VCF-style: chr14-24240686-C-T. GRCh37 (hg19) VCF-style: chr14-24709892-C-T.
Other names: c.689G>A, p.Arg230Gln (NM_001363668.2); c.794G>A, p.Arg265Gln (NM_012461.3); short protein forms R230Q, R265Q.
Identifiers: ClinVar variation 1920304 (VCV001920304.6), dbSNP rs750385069, ClinGen allele CA7130562.